The following is an entry in ClinVar:

NM_000350.3(ABCA4):c.4868G>T (p.Gly1623Val)

Genes: ABCA4 (ATP binding cassette subfamily A member 4; minus strand), LOC126805793 (CDK7 strongly-dependent group 2 enhancer GRCh37_chr1:94486302-94487501; plus strand). Cytogenetic location: 1p22.1.
Variant type: single nucleotide variant.
Coding change: c.4868G>T on transcript NM_000350.3 (MANE Select); coding-DNA position 4868, G replaced by T.
Protein change: p.Gly1623Val; replaces glycine 1623 with valine.
Molecular consequence: missense variant.
Genome position (GRCh38, 1-based): chr1:94,021,390, C>A on the plus strand (G>T on the coding strand, the complement: ABCA4 is on the minus strand). VCF-style: chr1-94021390-C-A. GRCh37 (hg19) VCF-style: chr1-94486946-C-A.
Other names: c.4646G>T, p.Gly1549Val (NM_001425324.1); short protein forms G1623V, G1549V.
Identifiers: ClinVar variation 806162 (VCV000806162.45), dbSNP rs1571257969, ClinGen allele CA341283199.

ClinVar aggregate classification (germline): Conflicting classifications of pathogenicity. Review status: criteria provided, conflicting classifications (1 of 4 stars). 3 submissions from 3 submitters: Likely pathogenic (1); Uncertain significance (2). Last evaluated 2025-04-02.

Submissions (3):

Women's Health and Genetics/Laboratory Corporation of America, LabCorp
Classification: Uncertain significance. Last evaluated: 2025-04-02. Review status: criteria provided, single submitter. Criteria: LabCorp Variant Classification Summary - May 2015. Collection method: clinical testing. Allele origin: germline.
Comment: Variant summary: ABCA4 c.4868G>T (p.Gly1623Val) results in a non-conservative amino acid change in the encoded protein sequence. Five of five in-silico tools predict a damaging effect of the variant on protein function. The variant was absent in 251274 control chromosomes. The available data on variant occurrences in the general population are insufficient to allow any conclusion about variant significance. c.4868G>T has been reported in the literature in at-least one individual affected with (example: Jiang_2016). These data do not allow any conclusion about variant significance. To our knowledge, no experimental evidence demonstrating an impact on protein function has been reported. The following publication have been ascertained in the context of this evaluation (PMID: 26780318). ClinVar contains an entry for this variant (Variation ID: 806162). Based on the evidence outlined above, the variant was classified as uncertain significance.

CeGaT Center for Human Genetics Tuebingen
Classification: Likely pathogenic. Last evaluated: 2021-05-01. Review status: criteria provided, single submitter. Criteria: CeGaT Center For Human Genetics Tuebingen Variant Classification Criteria Version 2. Collection method: clinical testing. Allele origin: germline. Affected: yes. Observed: 2 variant alleles.

Blueprint Genetics
Classification: Uncertain significance. Last evaluated: 2019-04-25. Review status: criteria provided, single submitter. Criteria: ACMG Guidelines, 2015. Collection method: clinical testing. Allele origin: germline.

Literature cited by the submitters: PubMed 26780318 (cited by Women's Health and Genetics/Laboratory Corporation of America, LabCorp).